The following is an entry in ClinVar:

NM_005529.7(HSPG2):c.139C>A (p.Arg47Ser)

Gene: HSPG2 (heparan sulfate proteoglycan 2; minus strand). Cytogenetic location: 1p36.12.
Variant type: single nucleotide variant.
Coding change: c.139C>A on transcript NM_005529.7 (MANE Select); coding-DNA position 139, C replaced by A.
Protein change: p.Arg47Ser; replaces arginine 47 with serine.
Molecular consequence: missense variant.
Genome position (GRCh38, 1-based): chr1:21,896,235, G>T on the plus strand (C>A on the coding strand, the complement: HSPG2 is on the minus strand). VCF-style: chr1-21896235-G-T. GRCh37 (hg19) VCF-style: chr1-22222728-G-T.
Other names: c.139C>A, p.Arg47Ser (NM_001291860.2); short protein forms R47S.
Identifiers: ClinVar variation 1475380 (VCV001475380.5), dbSNP rs544234613, ClinGen allele CA674020.

ClinVar aggregate classification (germline): Uncertain significance (1 of 4 stars; one submission).

Submission:

Labcorp Genetics (formerly Invitae), Labcorp
Classification: Uncertain significance. Last evaluated: 2021-08-31. Review status: criteria provided, single submitter. Criteria: Invitae Variant Classification Sherloc (09022015). Collection method: clinical testing. Allele origin: germline.
Comment: This sequence change replaces arginine with serine at codon 47 of the HSPG2 protein (p.Arg47Ser). The arginine residue is weakly conserved and there is a moderate physicochemical difference between arginine and serine. This variant is present in population databases (rs544234613, ExAC 0.001%). This variant has not been reported in the literature in individuals affected with HSPG2-related conditions. Algorithms developed to predict the effect of missense changes on protein structure and function (SIFT, PolyPhen-2, Align-GVGD) all suggest that this variant is likely to be tolerated. In summary, the available evidence is currently insufficient to determine the role of this variant in disease. Therefore, it has been classified as a Variant of Uncertain Significance.